The following is an entry in ClinVar:

ClinVar aggregate classification (germline): Likely benign (0 of 4 stars; one submission).

Conditions:
SLC20A1-related disorder. Also called: SLC20A1-related condition.

Allele frequency attached by ClinVar (database versions not stated): gnomAD exomes 0.00001; ExAC 0.00002.
gnomAD v4.1: 16 of 1,611,472 alleles (0.00099%); highest among the groups gnomAD compares: Non-Finnish European, 0.0014%; no homozygotes.

Submission:

PreventionGenetics, part of Exact Sciences
Classification: Likely benign for SLC20A1-related condition. Last evaluated: 2019-04-10. Review status: no assertion criteria provided. Collection method: clinical testing. Allele origin: germline.
Comment: This variant is classified as likely benign based on ACMG/AMP sequence variant interpretation guidelines (Richards et al. 2015 PMID: 25741868, with internal and published modifications).

NM_005415.5(SLC20A1):c.562-3C>T

Gene: SLC20A1 (solute carrier family 20 member 1; plus strand). Cytogenetic location: 2q14.1.
Variant type: single nucleotide variant.
Coding change: c.562-3C>T on transcript NM_005415.5 (MANE Select); 3 bases into the intron before coding-DNA position 562, C replaced by T.
Molecular consequence: intron variant.
Genome position (GRCh38, 1-based): chr2:112,652,699, C>T. VCF-style: chr2-112652699-C-T. GRCh37 (hg19) VCF-style: chr2-113410276-C-T.
Identifiers: ClinVar variation 3058094 (VCV003058094.2), dbSNP rs779152045, ClinGen allele CA1835822.